The following is an entry in ClinVar:

ClinVar aggregate classification (germline): Conflicting classifications of pathogenicity. Review status: criteria provided, conflicting classifications (1 of 4 stars). 2 submissions from 2 submitters: Uncertain significance (1); Likely benign (1). Last evaluated 2024-08-22.

Conditions:
Methylmalonic acidemia with homocystinuria, type cblX (MAHCX). Also called: INTELLECTUAL DEVELOPMENTAL DISORDER, X-LINKED 3. Identifiers: Orphanet 369962, MedGen C0796208, MONDO:0010657, OMIM 309541.

Allele frequency attached by ClinVar (database versions not stated): gnomAD exomes 0.00002; ExAC 0.00003; TOPMed 0.00005; gnomAD 0.00007; ESP Exome Variant Server 0.00010.
gnomAD v4.1: 16 of 1,209,633 alleles (0.0013%); highest among the groups gnomAD compares: African/African-American, 0.017%; no homozygotes.

Submissions (2):

Mayo Clinic Laboratories, Mayo Clinic
Classification: Uncertain significance. Last evaluated: 2024-08-22. Review status: criteria provided, single submitter. Criteria: ACMG Guidelines, 2015. Collection method: clinical testing. Allele origin: germline. Observed: 1 variant allele.
Comment: BS2

Labcorp Genetics (formerly Invitae), Labcorp
Classification: Likely benign for Methylmalonic acidemia with homocystinuria, type cblX. Last evaluated: 2023-06-16. Review status: criteria provided, single submitter. Criteria: Invitae Variant Classification Sherloc (09022015). Collection method: clinical testing. Allele origin: germline.

NM_005334.3(HCFC1):c.3341C>T (p.Thr1114Met)

Gene: HCFC1 (host cell factor C1; minus strand). Cytogenetic location: Xq28.
Variant type: single nucleotide variant.
Coding change: c.3341C>T on transcript NM_005334.3 (MANE Select); coding-DNA position 3341, C replaced by T.
Protein change: p.Thr1114Met; replaces threonine 1114 with methionine.
Molecular consequence: missense variant.
Genome position (GRCh38, 1-based): chrX:153,955,058, G>A on the plus strand (C>T on the coding strand, the complement: HCFC1 is on the minus strand). VCF-style: chrX-153955058-G-A. GRCh37 (hg19) VCF-style: chrX-153220509-G-A.
Other names: p.Thr1114Met; c.3341C>T, p.Thr1114Met (NM_001410705.1); short protein forms T1114M.
Identifiers: ClinVar variation 2888155 (VCV002888155.4), dbSNP rs373753660, ClinGen allele CA10557204.
Genomic context (GRCh38, chrX:153,955,058, plus strand): 5'-TCTCGCTGGTGGTTGGCGCCGACGCTCGACATGGCTGTAGTGGCAGTGTTGGTGGTGCCC[G>A]TCTCGTGGGTCTCGCAGGGTGGGTTTGAGCAGCCATGCTGCCCGGCCATGTTGGAGGTGG-3'
Protein context (NP_005325.2, residues 1104-1124): CSNPPCETHE[Thr1114Met]GTTNTATTAM